The following is an entry in ClinVar:

NM_001365951.3(KIF1B):c.5441C>T (p.Ser1814Leu)

Gene: KIF1B (kinesin family member 1B; plus strand). Cytogenetic location: 1p36.22.
Variant type: single nucleotide variant.
Coding change: c.5441C>T on transcript NM_001365951.3 (MANE Select); coding-DNA position 5441, C replaced by T.
Protein change: p.Ser1814Leu; replaces serine 1814 with leucine.
Molecular consequence: missense variant.
Genome position (GRCh38, 1-based): chr1:10,376,577, C>T. VCF-style: chr1-10376577-C-T. GRCh37 (hg19) VCF-style: chr1-10436635-C-T.
Other names: c.5441C>T, p.Ser1814Leu (NM_001365952.1); c.5303C>T, p.Ser1768Leu (NM_015074.3); short protein forms S1768L, S1814L.
Identifiers: ClinVar variation 958589 (VCV000958589.13), dbSNP rs761319935, ClinGen allele CA582358.

ClinVar aggregate classification (germline): Conflicting classifications of pathogenicity. Review status: criteria provided, conflicting classifications (1 of 4 stars). 2 submissions from 2 submitters: Uncertain significance (1); Likely benign (1). Last evaluated 2025-03-20.

Conditions:
Charcot-Marie-Tooth disease type 2. Also called: Charcot-Marie-Tooth type 2. Identifiers: Orphanet 64746, MedGen C0270914, MONDO:0018993.

Allele frequency attached by ClinVar (database versions not stated): gnomAD exomes below 0.00001 and 0.00001; ExAC 0.00002.
gnomAD v4.1: 10 of 1,613,972 alleles (0.00062%); highest among the groups gnomAD compares: South Asian, 0.0022%; no homozygotes.

Submissions (2):

Ambry Genetics
Classification: Likely benign. Last evaluated: 2025-03-20. Review status: criteria provided, single submitter. Criteria: Ambry Variant Classification Scheme 2023. Collection method: clinical testing. Allele origin: germline.

Labcorp Genetics (formerly Invitae), Labcorp
Classification: Uncertain significance for Charcot-Marie-Tooth disease type 2. Last evaluated: 2024-11-20. Review status: criteria provided, single submitter. Criteria: Invitae Variant Classification Sherloc (09022015). Collection method: clinical testing. Allele origin: germline.
Comment: This sequence change replaces serine, which is neutral and polar, with leucine, which is neutral and non-polar, at codon 1768 of the KIF1B protein (p.Ser1768Leu). This variant is not present in population databases (gnomAD no frequency). This variant has not been reported in the literature in individuals affected with KIF1B-related conditions. ClinVar contains an entry for this variant (Variation ID: 958589). An algorithm developed to predict the effect of missense changes on protein structure and function outputs the following: PolyPhen-2: "Benign". The leucine amino acid residue is found in multiple mammalian species, which suggests that this missense change does not adversely affect protein function. In summary, the available evidence is currently insufficient to determine the role of this variant in disease. Therefore, it has been classified as a Variant of Uncertain Significance.